The following is an entry in ClinVar:

NM_001165963.4(SCN1A):c.4889T>C (p.Val1630Ala)

Genes: SCN1A (sodium voltage-gated channel alpha subunit 1; minus strand), LOC102724058 (uncharacterized LOC102724058; plus strand). Cytogenetic location: 2q24.3.
Variant type: single nucleotide variant.
Coding change: c.4889T>C on transcript NM_001165963.4 (MANE Select); coding-DNA position 4889, T replaced by C.
Protein change: p.Val1630Ala; replaces valine 1630 with alanine.
Molecular consequence: missense variant. On other transcripts: non-coding transcript variant (1).
Genome position (GRCh38, 1-based): chr2:165,992,386, A>G on the plus strand (T>C on the coding strand, the complement: SCN1A is on the minus strand). VCF-style: chr2-165992386-A-G. GRCh37 (hg19) VCF-style: chr2-166848896-A-G.
Other names: c.4856T>C, p.Val1619Ala (NM_001353952.2, NM_006920.6, NM_001353949.2 and 2 more transcripts); c.4853T>C, p.Val1618Ala (NM_001353954.2, NM_001353955.2); c.4805T>C, p.Val1602Ala (NM_001353957.2, NM_001353958.2, NM_001165964.3); c.4802T>C, p.Val1601Ala (NM_001353960.2); c.2447T>C, p.Val816Ala (NM_001353961.2); c.4889T>C, p.Val1630Ala (NM_001202435.3, NM_001353948.2); short protein forms V1601A, V1630A, V1602A, V1618A, V1619A, V816A.
Identifiers: ClinVar variation 2715522 (VCV002715522.3), dbSNP rs2468341203, ClinGen allele CA349070509.

ClinVar aggregate classification (germline): Likely pathogenic (1 of 4 stars; one submission).

Conditions:
Early-infantile DEE. Also called: Early infantile epileptic encephalopathy with suppression bursts; Early infantile epileptic encephalopathy; Ohtahara syndrome. Identifiers: Orphanet 1934, MedGen C0393706, MONDO:0800491.

Submission:

Labcorp Genetics (formerly Invitae), Labcorp
Classification: Likely pathogenic for Early-infantile DEE. Last evaluated: 2023-06-24. Review status: criteria provided, single submitter. Criteria: Invitae Variant Classification Sherloc (09022015). Collection method: clinical testing. Allele origin: germline.
Comment: This variant disrupts the p.Val1630 amino acid residue in SCN1A. Other variant(s) that disrupt this residue have been determined to be pathogenic (PMID: 17561957, 23195492). This suggests that this residue is clinically significant, and that variants that disrupt this residue are likely to be disease-causing. Advanced modeling of protein sequence and biophysical properties (such as structural, functional, and spatial information, amino acid conservation, physicochemical variation, residue mobility, and thermodynamic stability) performed at Invitae indicates that this missense variant is expected to disrupt SCN1A protein function. This variant has not been reported in the literature in individuals affected with SCN1A-related conditions. This variant is not present in population databases (gnomAD no frequency). This sequence change replaces valine, which is neutral and non-polar, with alanine, which is neutral and non-polar, at codon 1630 of the SCN1A protein (p.Val1630Ala). In summary, the currently available evidence indicates that the variant is pathogenic, but additional data are needed to prove that conclusively. Therefore, this variant has been classified as Likely Pathogenic.

Literature cited by the submitters: PubMed 17561957; PubMed 23195492.